The following is an entry in ClinVar:

ClinVar aggregate classification (germline): Uncertain significance (1 of 4 stars; one submission).

Conditions:
ALG6-related disorder. Also called: ALG6-related condition.

Submission:

PreventionGenetics, part of Exact Sciences
Classification: Uncertain significance for ALG6-related condition. Last evaluated: 2026-04-21. Review status: criteria provided, single submitter. Criteria: ACMG Guidelines, 2015. Collection method: clinical testing. Allele origin: germline.
Comment: The ALG6 c.665_666delinsTT variant is predicted to result in an in-frame deletion and insertion. To our knowledge, this variant has not been reported in the literature or in a large population database (gnomAD), indicating this variant is rare. At this time, the clinical significance of this variant is uncertain due to the absence of conclusive functional and genetic evidence.

NM_013339.4(ALG6):c.665_666delinsTT (p.Gly222Val)

Gene: ALG6 (ALG6 alpha-1,3-glucosyltransferase; plus strand). Cytogenetic location: 1p31.3.
Variant type: Indel.
Coding change: c.665_666delinsTT on transcript NM_013339.4 (MANE Select); coding-DNA positions 665 to 666, GC replaced by TT.
Protein change: p.Gly222Val; replaces glycine 222 with valine.
Molecular consequence: missense variant.
Genome position (GRCh38, 1-based): chr1:63,411,316-63,411,317, GC replaced by TT. VCF-style: chr1-63411316-GC-TT. GRCh37 (hg19) VCF-style: chr1-63876987-GC-TT.
Other names: short protein forms G222V.
Identifiers: ClinVar variation 4995729 (VCV004995729.1).